The following is an entry in ClinVar:

ClinVar aggregate classification (germline): Conflicting classifications of pathogenicity. Review status: criteria provided, conflicting classifications (1 of 4 stars). 7 submissions from 7 submitters: Uncertain significance (3); Likely benign (3). 1 of the submissions does not count toward it. Last evaluated 2026-02-01.

Conditions:
Connective tissue disorder. Also called: Connective tissue disease. Identifiers: MedGen C0009782, MONDO:0003900.
FLNB-related disorder. Also called: FLNB-related disorders; FLNB-related condition. Identifiers: MedGen CN381095.
FLNB-Related Spectrum Disorders.

Allele frequency attached by ClinVar (database versions not stated): TOPMed 0.00019; ESP Exome Variant Server 0.00023.
gnomAD v4.1: 394 of 1,613,862 alleles (0.024%); highest among the groups gnomAD compares: Non-Finnish European, 0.03%; 1 homozygote.

Submissions (7):

Labcorp Genetics (formerly Invitae), Labcorp
Classification: Likely benign. Last evaluated: 2026-02-01. Review status: criteria provided, single submitter. Criteria: Invitae Variant Classification Sherloc (09022015). Collection method: clinical testing. Allele origin: germline.

CeGaT Center for Human Genetics Tuebingen
Classification: Likely benign. Last evaluated: 2025-12-01. Review status: criteria provided, single submitter. Criteria: CeGaT Center For Human Genetics Tuebingen Variant Classification Criteria Version 2. Collection method: clinical testing. Allele origin: germline. Affected: yes. Observed: 1 variant allele.
Comment: FLNB: BS2

Blueprint Genetics
Classification: Likely benign. Last evaluated: 2024-01-23. Review status: criteria provided, single submitter. Criteria: ACMG Guidelines, 2015. Collection method: clinical testing. Allele origin: germline.

GeneDx
Classification: Uncertain significance. Last evaluated: 2023-06-05. Review status: criteria provided, single submitter. Criteria: GeneDx Variant Classification Process June 2021. Collection method: clinical testing. Allele origin: germline. Affected: yes.
Comment: In silico analysis, which includes protein predictors and evolutionary conservation, supports that this variant does not alter protein structure/function; Has not been previously published as pathogenic or benign to our knowledge

Genome Diagnostics Laboratory, The Hospital for Sick Children
Classification: Uncertain significance for Connective tissue disorder. Last evaluated: 2018-10-01. Review status: criteria provided, single submitter. Criteria: ACMG Guidelines, 2015. Collection method: clinical testing. Allele origin: germline.

Illumina Laboratory Services, Illumina
Classification: Uncertain significance for FLNB-Related Spectrum Disorders. Last evaluated: 2018-01-13. Review status: criteria provided, single submitter. Criteria: ICSL Variant Classification Criteria 13 December 2019. Collection method: clinical testing. Allele origin: germline.

PreventionGenetics, part of Exact Sciences
Classification: Uncertain significance for FLNB-related condition. Last evaluated: 2023-12-15. Review status: no assertion criteria provided. Collection method: clinical testing. Allele origin: germline. Not counted in ClinVar's aggregate classification.
Comment: The FLNB c.1327G>A variant is predicted to result in the amino acid substitution p.Val443Ile. To our knowledge, this variant has not been reported in the literature. This variant is reported in 0.041% of alleles in individuals of European (Non-Finnish) descent in gnomAD. At this time, the clinical significance of this variant is uncertain due to the absence of conclusive functional and genetic evidence.

NM_001457.4(FLNB):c.1327G>A (p.Val443Ile)

Gene: FLNB (filamin B; plus strand). Cytogenetic location: 3p14.3.
Variant type: single nucleotide variant.
Coding change: c.1327G>A on transcript NM_001457.4 (MANE Select); coding-DNA position 1327, G replaced by A.
Protein change: p.Val443Ile; replaces valine 443 with isoleucine.
Molecular consequence: missense variant.
Genome position (GRCh38, 1-based): chr3:58,098,890, G>A. VCF-style: chr3-58098890-G-A. GRCh37 (hg19) VCF-style: chr3-58084617-G-A.
Other names: c.1327G>A, p.Val443Ile (NM_001164317.2, NM_001164318.2, NM_001164319.2); short protein forms V443I.
Identifiers: ClinVar variation 899410 (VCV000899410.24), dbSNP rs200902568, ClinGen allele CA2467764.